The following is an entry in ClinVar:

ClinVar aggregate classification (germline): Uncertain significance (1 of 4 stars; one submission).

gnomAD v4.1: 1 of 1,613,764 alleles (0.000062%); highest among the groups gnomAD compares: Non-Finnish European, 0.000085%; no homozygotes.

Submission:

Labcorp Genetics (formerly Invitae), Labcorp
Classification: Uncertain significance. Last evaluated: 2024-09-10. Review status: criteria provided, single submitter. Criteria: Invitae Variant Classification Sherloc (09022015). Collection method: clinical testing. Allele origin: germline.
Comment: This sequence change replaces arginine, which is basic and polar, with proline, which is neutral and non-polar, at codon 205 of the C2 protein (p.Arg205Pro). This variant is not present in population databases (gnomAD no frequency). This variant has not been reported in the literature in individuals affected with C2-related conditions. An algorithm developed to predict the effect of missense changes on protein structure and function (PolyPhen-2) suggests that this variant is likely to be disruptive. In summary, the available evidence is currently insufficient to determine the role of this variant in disease. Therefore, it has been classified as a Variant of Uncertain Significance.

NM_000063.6(C2):c.614G>C (p.Arg205Pro)

Gene: C2 (complement C2; plus strand). Cytogenetic location: 6p21.33.
Variant type: single nucleotide variant.
Coding change: c.614G>C on transcript NM_000063.6 (MANE Select); coding-DNA position 614, G replaced by C.
Protein change: p.Arg205Pro; replaces arginine 205 with proline.
Molecular consequence: missense variant.
Genome position (GRCh38, 1-based): chr6:31,933,781, G>C. VCF-style: chr6-31933781-G-C. GRCh37 (hg19) VCF-style: chr6-31901558-G-C.
Other names: c.218G>C, p.Arg73Pro (NM_001145903.3); c.245G>C, p.Arg82Pro (NM_001178063.3); c.109G>C, p.Ala37Pro (NM_001282457.2); c.527G>C, p.Arg176Pro (NM_001282458.2); c.614G>C, p.Arg205Pro (NM_001282459.2); short protein forms R73P, R82P, A37P, R176P, R205P.
Identifiers: ClinVar variation 3646495 (VCV003646495.2).
Genomic context (GRCh38, chr6:31,933,781, plus strand): 5'-GGTCTTCGGAGCGGGAGTGCCAGGGCAACGGGGTCTGGAGTGGAACGGAGCCCATCTGCC[G>C]CCGTGAGTAGCTGCCCTGCCCTCCTGAGATTCCTCGGCACACCCGGCCACTGCCCCGGCT-3'
Protein context (NP_000054.2, residues 195-215): GVWSGTEPIC[Arg205Pro]QPYSYDFPED